The following is an entry in ClinVar:

NM_000827.4(GRIA1):c.2385+776A>C

Gene: GRIA1 (glutamate ionotropic receptor AMPA type subunit 1; plus strand). Cytogenetic location: 5q33.2.
Variant type: single nucleotide variant.
Coding change: c.2385+776A>C on transcript NM_000827.4 (MANE Select); 776 bases into the intron after coding-DNA position 2385, A replaced by C.
Molecular consequence: intron variant. On other transcripts: missense variant (5), non-coding transcript variant (1).
Genome position (GRCh38, 1-based): chr5:153,795,511, A>C. VCF-style: chr5-153795511-A-C. GRCh37 (hg19) VCF-style: chr5-153175071-A-C.
Other names: c.2415+776A>C (NM_001258021.2); c.2306A>C, p.Glu769Ala (NM_001114183.2); c.2021A>C, p.Glu674Ala (NM_001258020.2); c.2336A>C, p.Glu779Ala (NM_001258022.2); c.2333A>C, p.Glu778Ala (NM_001364166.2); c.2099A>C, p.Glu700Ala (NM_001364167.2); c.2217+776A>C (NM_001364165.2); c.2145+776A>C (NM_001258019.2); and 1 more; short protein forms E674A, E700A, E769A, E778A, E779A.
Identifiers: ClinVar variation 4071817 (VCV004071817.1).

ClinVar aggregate classification (germline): Uncertain significance (1 of 4 stars; one submission).

Submission:

GeneDx
Classification: Uncertain significance. Last evaluated: 2025-01-23. Review status: criteria provided, single submitter. Criteria: GeneDx Variant Classification Process June 2021. Collection method: clinical testing. Allele origin: germline. Affected: yes.
Comment: Not observed at significant frequency in large population cohorts (gnomAD); In silico analysis supports that this missense variant has a deleterious effect on protein structure/function; Has not been previously published as pathogenic or benign to our knowledge